The following is an entry in ClinVar:

NM_152594.3(SPRED1):c.163T>C (p.Cys55Arg)

Gene: SPRED1 (sprouty related EVH1 domain containing 1; plus strand). Cytogenetic location: 15q14.
Variant type: single nucleotide variant.
Coding change: c.163T>C on transcript NM_152594.3 (MANE Select); coding-DNA position 163, T replaced by C.
Protein change: p.Cys55Arg; replaces cysteine 55 with arginine.
Molecular consequence: missense variant.
Genome position (GRCh38, 1-based): chr15:38,299,503, T>C. VCF-style: chr15-38299503-T-C. GRCh37 (hg19) VCF-style: chr15-38591704-T-C.
Other names: short protein forms C55R.
Identifiers: ClinVar variation 1334215 (VCV001334215.9), dbSNP rs775334473, ClinGen allele CA7470000.

ClinVar aggregate classification (germline): Conflicting classifications of pathogenicity. Review status: criteria provided, conflicting classifications (1 of 4 stars). 3 submissions from 3 submitters: Uncertain significance (1); Likely benign (2). Last evaluated 2025-06-01.

Conditions:
Cardiovascular phenotype. Identifiers: MedGen CN230736.
Legius syndrome. Identifiers: Orphanet 137605, MedGen C1969623, MONDO:0012669, OMIM 611431. Disease mechanism: loss of function.
Noonan syndrome and Noonan-related syndrome. Identifiers: Orphanet 98733, MedGen C5681679, MONDO:0020297.

Allele frequency attached by ClinVar (database versions not stated): gnomAD 0.00001; gnomAD exomes 0.00001 and 0.00003; ExAC 0.00002.
gnomAD v4.1: 23 of 1,613,916 alleles (0.0014%); highest among the groups gnomAD compares: South Asian, 0.025%; no homozygotes.

Submissions (3):

Ambry Genetics
Classification: Likely benign for Cardiovascular phenotype. Last evaluated: 2025-06-01. Review status: criteria provided, single submitter. Criteria: Ambry Variant Classification Scheme 2023. Collection method: clinical testing. Allele origin: germline.

Labcorp Genetics (formerly Invitae), Labcorp
Classification: Uncertain significance for Legius syndrome. Last evaluated: 2022-08-27. Review status: criteria provided, single submitter. Criteria: Invitae Variant Classification Sherloc (09022015). Collection method: clinical testing. Allele origin: germline.
Comment: ClinVar contains an entry for this variant (Variation ID: 1334215). This variant has not been reported in the literature in individuals affected with SPRED1-related conditions. This variant is present in population databases (rs775334473, gnomAD 0.02%). This sequence change replaces cysteine, which is neutral and slightly polar, with arginine, which is basic and polar, at codon 55 of the SPRED1 protein (p.Cys55Arg). In summary, the available evidence is currently insufficient to determine the role of this variant in disease. Therefore, it has been classified as a Variant of Uncertain Significance. Algorithms developed to predict the effect of missense changes on protein structure and function (SIFT, PolyPhen-2, Align-GVGD) all suggest that this variant is likely to be tolerated.

Genome Diagnostics Laboratory, The Hospital for Sick Children
Classification: Likely benign for Noonan syndrome and Noonan-related syndrome. Last evaluated: 2019-03-01. Review status: criteria provided, single submitter. Criteria: ACMG Guidelines, 2015. Collection method: clinical testing. Allele origin: germline.